The following is an entry in ClinVar:

ClinVar aggregate classification (germline): Benign/Likely benign. Review status: criteria provided, multiple submitters, no conflicts (2 of 4 stars). 3 submissions from 3 submitters: Benign (2); Likely benign (1). Last evaluated 2026-01-30.

Conditions:
Glycogen storage disease IXa1. Also called: GLYCOGEN STORAGE DISEASE VIII; GSD VIII; Glycogen storage disease 8; LIVER GLYCOGENOSIS, X-LINKED, TYPE I. Identifiers: Orphanet 264580, MedGen C3694531, MONDO:0010598, OMIM 306000.

Allele frequency attached by ClinVar (database versions not stated): gnomAD exomes 0.00033 and 0.00083; ExAC 0.00098; gnomAD 0.00270 and 0.00296; TOPMed 0.00304; 1000 Genomes Project 0.00371; 1000 Genomes Project 30x 0.00395; ESP Exome Variant Server 0.00426.
gnomAD v4.1: 681 of 1,210,326 alleles (0.056%); highest among the groups gnomAD compares: African/African-American, 0.91%; 2 homozygotes.

Submissions (3):

Labcorp Genetics (formerly Invitae), Labcorp
Classification: Benign for Glycogen storage disease IXa1. Last evaluated: 2026-01-30. Review status: criteria provided, single submitter. Criteria: Invitae Variant Classification Sherloc (09022015). Collection method: clinical testing. Allele origin: germline.

Fulgent Genetics
Classification: Likely benign for Glycogen storage disease IXa1. Last evaluated: 2022-05-11. Review status: criteria provided, single submitter. Criteria: ACMG Guidelines, 2015. Collection method: clinical testing. Allele origin: unknown.

GeneDx
Classification: Benign. Last evaluated: 2017-03-14. Review status: criteria provided, single submitter. Criteria: GeneDx Variant Classification (06012015). Collection method: clinical testing. Allele origin: germline. Affected: yes.
Comment: This variant is considered likely benign or benign based on one or more of the following criteria: it is a conservative change, it occurs at a poorly conserved position in the protein, it is predicted to be benign by multiple in silico algorithms, and/or has population frequency not consistent with disease.

NM_000292.3(PHKA2):c.2806+13C>A

Gene: PHKA2 (phosphorylase kinase regulatory subunit alpha 2; minus strand). Cytogenetic location: Xp22.13.
Variant type: single nucleotide variant.
Coding change: c.2806+13C>A on transcript NM_000292.3 (MANE Select); 13 bases into the intron after coding-DNA position 2806, C replaced by A.
Molecular consequence: intron variant.
Genome position (GRCh38, 1-based): chrX:18,906,482, G>T on the plus strand (C>A on the coding strand, the complement: PHKA2 is on the minus strand). VCF-style: chrX-18906482-G-T. GRCh37 (hg19) VCF-style: chrX-18924600-G-T.
Identifiers: ClinVar variation 506356 (VCV000506356.10), dbSNP rs186550641, ClinGen allele CA10361549.